The following is an entry in ClinVar:

ClinVar aggregate classification (germline): Conflicting classifications of pathogenicity. Review status: criteria provided, conflicting classifications (1 of 4 stars). 5 submissions from 5 submitters: Uncertain significance (3); Benign (1); Likely benign (1). Last evaluated 2026-01-16.

Conditions:
Inborn genetic diseases. Identifiers: MedGen C0950123, MeSH D030342.

Allele frequency attached by ClinVar (database versions not stated): 1000 Genomes Project 30x 0.00016; 1000 Genomes Project 0.00020; ExAC 0.00028.
gnomAD v4.1: 59 of 1,516,080 alleles (0.0039%); highest among the groups gnomAD compares: South Asian, 0.0086%; no homozygotes.

Submissions (5):

Labcorp Genetics (formerly Invitae), Labcorp
Classification: Benign. Last evaluated: 2026-01-16. Review status: criteria provided, single submitter. Criteria: Invitae Variant Classification Sherloc (09022015). Collection method: clinical testing. Allele origin: germline.

Ambry Genetics
Classification: Likely benign for Inborn genetic diseases. Last evaluated: 2025-07-15. Review status: criteria provided, single submitter. Criteria: Ambry Variant Classification Scheme 2023. Collection method: clinical testing. Allele origin: germline.

CeGaT Center for Human Genetics Tuebingen
Classification: Uncertain significance. Last evaluated: 2025-02-01. Review status: criteria provided, single submitter. Criteria: CeGaT Center For Human Genetics Tuebingen Variant Classification Criteria Version 2. Collection method: clinical testing. Allele origin: germline. Affected: yes. Observed: 1 variant allele.
Comment: PIEZO1: PM2, BP4

ARUP Laboratories, Molecular Genetics and Genomics, ARUP Laboratories
Classification: Uncertain significance. Last evaluated: 2024-10-29. Review status: criteria provided, single submitter. Criteria: ARUP Molecular Germline Variant Investigation Process 2024. Collection method: clinical testing. Allele origin: germline.
Comment: The PIEZO1 c.2315C>T; p.Thr772Met variant (rs561264067), to our knowledge, is not reported in the medical literature but is reported in ClinVar (Variation ID: 2434709). This variant is found in the general population with an overall allele frequency of 0.005% (6/129,912 alleles) in the Genome Aggregation Database (v2.1.1). Computational analyses predict that this variant is neutral (REVEL: 0.024). However, given the lack of clinical and functional data, the significance of this variant is uncertain at this time.

Revvity Omics, Revvity
Classification: Uncertain significance. Last evaluated: 2021-09-07. Review status: criteria provided, single submitter. Criteria: ACMG Guidelines, 2015. Collection method: clinical testing. Allele origin: germline.

NM_001142864.4(PIEZO1):c.2315C>T (p.Thr772Met)

Genes: HSALR1 (HSP90AB1 associated lncRNA 1; plus strand), PIEZO1 (piezo type mechanosensitive ion channel component 1 (Er blood group); minus strand). Cytogenetic location: 16q24.3.
Variant type: single nucleotide variant.
Coding change: c.2315C>T on transcript NM_001142864.4 (MANE Select); coding-DNA position 2315, C replaced by T.
Protein change: p.Thr772Met; replaces threonine 772 with methionine.
Molecular consequence: missense variant.
Genome position (GRCh38, 1-based): chr16:88,733,920, G>A on the plus strand (C>T on the coding strand, the complement: PIEZO1 is on the minus strand). VCF-style: chr16-88733920-G-A. GRCh37 (hg19) VCF-style: chr16-88800328-G-A.
Other names: c.857C>T, p.Thr286Met (NM_014745.1); c.2315C>T (NM_001142864.2); short protein forms T286M, T772M.
Identifiers: ClinVar variation 2434709 (VCV002434709.19), dbSNP rs561264067, ClinGen allele CA8232810.